The following is an entry in ClinVar:

NM_004304.5(ALK):c.4405C>T (p.Pro1469Ser)

Gene: ALK (ALK receptor tyrosine kinase; minus strand). Cytogenetic location: 2p23.2.
Variant type: single nucleotide variant.
Coding change: c.4405C>T on transcript NM_004304.5 (MANE Select); coding-DNA position 4405, C replaced by T.
Protein change: p.Pro1469Ser; replaces proline 1469 with serine.
Molecular consequence: missense variant.
Genome position (GRCh38, 1-based): chr2:29,193,682, G>A on the plus strand (C>T on the coding strand, the complement: ALK is on the minus strand). VCF-style: chr2-29193682-G-A. GRCh37 (hg19) VCF-style: chr2-29416548-G-A.
Other names: c.1201C>T, p.Pro401Ser (NM_001353765.2); c.4405C>T (NM_004304.4); short protein forms P1469S, P401S.
Identifiers: ClinVar variation 1014087 (VCV001014087.10), dbSNP rs780571098, ClinGen allele CA1593580.

ClinVar aggregate classification (germline): Conflicting classifications of pathogenicity. Review status: criteria provided, conflicting classifications (1 of 4 stars). 3 submissions from 3 submitters: Uncertain significance (2); Likely benign (1). Last evaluated 2025-07-02.

Conditions:
Neuroblastoma, susceptibility to, 3. Also called: ALK-Related Neuroblastic Tumor Susceptibility. Identifiers: Orphanet 635, MedGen C2751681, MONDO:0013083, OMIM 613014.
Hereditary cancer-predisposing syndrome. Also called: Tumor predisposition; Hereditary Cancer Syndrome; Neoplastic Syndromes, Hereditary; Hereditary neoplastic syndrome. Identifiers: Orphanet 140162, MedGen C0027672, MeSH D009386, MONDO:0015356.

Allele frequency attached by ClinVar (database versions not stated): gnomAD exomes below 0.00001; ExAC 0.00001; gnomAD 0.00003; TOPMed 0.00005.
gnomAD v4.1: 5 of 1,613,738 alleles (0.00031%); highest among the groups gnomAD compares: African/African-American, 0.0053%; no homozygotes.

Submissions (3):

Labcorp Genetics (formerly Invitae), Labcorp
Classification: Uncertain significance for Neuroblastoma, susceptibility to, 3. Last evaluated: 2025-07-02. Review status: criteria provided, single submitter. Criteria: Invitae Variant Classification Sherloc (09022015). Collection method: clinical testing. Allele origin: germline.
Comment: This sequence change replaces proline, which is neutral and non-polar, with serine, which is neutral and polar, at codon 1469 of the ALK protein (p.Pro1469Ser). This variant is not present in population databases (gnomAD no frequency). This variant has not been reported in the literature in individuals affected with ALK-related conditions. ClinVar contains an entry for this variant (Variation ID: 1014087). An algorithm developed to predict the effect of missense changes on protein structure and function (PolyPhen-2) suggests that this variant is likely to be tolerated. In summary, the available evidence is currently insufficient to determine the role of this variant in disease. Therefore, it has been classified as a Variant of Uncertain Significance.

Ambry Genetics
Classification: Likely benign for Hereditary cancer-predisposing syndrome. Last evaluated: 2024-12-20. Review status: criteria provided, single submitter. Criteria: Ambry Variant Classification Scheme 2023. Collection method: clinical testing. Allele origin: germline.

Baylor Genetics
Classification: Uncertain significance for Neuroblastoma, susceptibility to, 3. Last evaluated: 2024-02-07. Review status: criteria provided, single submitter. Criteria: ACMG Guidelines, 2015. Collection method: clinical testing. Allele origin: unknown.